The following is an entry in ClinVar:

ClinVar aggregate classification (germline): Uncertain significance (1 of 4 stars; one submission).

Submission:

Labcorp Genetics (formerly Invitae), Labcorp
Classification: Uncertain significance. Last evaluated: 2024-12-10. Review status: criteria provided, single submitter. Criteria: Invitae Variant Classification Sherloc (09022015). Collection method: clinical testing. Allele origin: germline.
Comment: This sequence change affects an acceptor splice site in intron 36 of the CACNA1E gene. It is expected to disrupt RNA splicing. Variants that disrupt the donor or acceptor splice site typically lead to a loss of protein function (PMID: 16199547), however the current clinical and genetic evidence is not sufficient to establish whether loss-of-function variants in CACNA1E cause disease. This variant is not present in population databases (gnomAD no frequency). This variant has not been reported in the literature in individuals affected with CACNA1E-related conditions. Algorithms developed to predict the effect of sequence changes on RNA splicing suggest that this variant may disrupt the consensus splice site. In summary, the available evidence is currently insufficient to determine the role of this variant in disease. Therefore, it has been classified as a Variant of Uncertain Significance.

Literature cited by the submitters: PubMed 16199547.

NM_001205293.3(CACNA1E):c.4974-1G>A

Gene: CACNA1E (calcium voltage-gated channel subunit alpha1 E; plus strand). Cytogenetic location: 1q25.3.
Variant type: single nucleotide variant.
Coding change: c.4974-1G>A on transcript NM_001205293.3 (MANE Select); the canonical splice acceptor site of the intron before coding-DNA position 4974, G replaced by A.
Molecular consequence: splice acceptor variant.
Genome position (GRCh38, 1-based): chr1:181,772,065, G>A. VCF-style: chr1-181772065-G-A. GRCh37 (hg19) VCF-style: chr1-181741201-G-A.
Other names: c.4974-1G>A (NM_000721.4); c.4917-1G>A (NM_001205294.2).
Identifiers: ClinVar variation 3726969 (VCV003726969.2).